The following is an entry in ClinVar:

ClinVar aggregate classification (germline): Uncertain significance (1 of 4 stars; one submission).

Submission:

Ambry Genetics
Classification: Uncertain significance. Last evaluated: 2025-11-05. Review status: criteria provided, single submitter. Criteria: Ambry Variant Classification Scheme 2023. Collection method: clinical testing. Allele origin: germline.
Comment: The p.E34K variant (also known as c.100G>A), located in coding exon 2 of the RECQL gene, results from a G to A substitution at nucleotide position 100. The glutamic acid at codon 34 is replaced by lysine, an amino acid with similar properties. This amino acid position is conserved. In addition, the in silico prediction for this alteration is inconclusive. Based on the available evidence, the clinical significance of this variant remains unclear.

NM_002907.4(RECQL):c.100G>A (p.Glu34Lys)

Gene: RECQL (RecQ like helicase; minus strand). Cytogenetic location: 12p12.1.
Variant type: single nucleotide variant.
Coding change: c.100G>A on transcript NM_002907.4 (MANE Select); coding-DNA position 100, G replaced by A.
Protein change: p.Glu34Lys; replaces glutamic acid 34 with lysine.
Molecular consequence: missense variant.
Genome position (GRCh38, 1-based): chr12:21,491,633, C>T on the plus strand (G>A on the coding strand, the complement: RECQL is on the minus strand). VCF-style: chr12-21491633-C-T. GRCh37 (hg19) VCF-style: chr12-21644567-C-T.
Other names: c.100G>A, p.Glu34Lys (NM_032941.3); short protein forms E34K.
Identifiers: ClinVar variation 4576947 (VCV004576947.1).